The following is an entry in ClinVar:

NM_003074.4(SMARCC1):c.3127C>G (p.Pro1043Ala)

Gene: SMARCC1 (SWI/SNF related BAF chromatin remodeling complex subunit C1; minus strand). Cytogenetic location: 3p21.31.
Variant type: single nucleotide variant.
Coding change: c.3127C>G on transcript NM_003074.4 (MANE Select); coding-DNA position 3127, C replaced by G.
Protein change: p.Pro1043Ala; replaces proline 1043 with alanine.
Molecular consequence: missense variant.
Genome position (GRCh38, 1-based): chr3:47,590,754, G>C on the plus strand (C>G on the coding strand, the complement: SMARCC1 is on the minus strand). VCF-style: chr3-47590754-G-C. GRCh37 (hg19) VCF-style: chr3-47632244-G-C.
Other names: short protein forms P1043A.
Identifiers: ClinVar variation 4170259 (VCV004170259.7).

ClinVar aggregate classification (germline): Conflicting classifications of pathogenicity. Review status: criteria provided, conflicting classifications (1 of 4 stars). 2 submissions from 2 submitters: Uncertain significance (1); Likely benign (1). Last evaluated 2025-10-01.

Conditions:
Inborn genetic diseases. Identifiers: MedGen C0950123, MeSH D030342.

gnomAD v4.1: 92 of 1,604,098 alleles (0.0057%); highest among the groups gnomAD compares: Non-Finnish European, 0.0072%; no homozygotes.

Submissions (2):

CeGaT Center for Human Genetics Tuebingen
Classification: Likely benign. Last evaluated: 2025-10-01. Review status: criteria provided, single submitter. Criteria: CeGaT Center For Human Genetics Tuebingen Variant Classification Criteria Version 2. Collection method: clinical testing. Allele origin: germline. Affected: yes. Observed: 1 variant allele.
Comment: SMARCC1: BP4

Ambry Genetics
Classification: Uncertain significance for Inborn genetic diseases. Last evaluated: 2025-08-20. Review status: criteria provided, single submitter. Criteria: Ambry Variant Classification Scheme 2023. Collection method: clinical testing. Allele origin: germline.